The following is an entry in ClinVar:

NM_052989.3(IFT122):c.1367G>A (p.Cys456Tyr)

Gene: IFT122 (intraflagellar transport 122; plus strand). Cytogenetic location: 3q21.3.
Variant type: single nucleotide variant.
Coding change: c.1367G>A on transcript NM_052989.3 (MANE Select); coding-DNA position 1367, G replaced by A.
Protein change: p.Cys456Tyr; replaces cysteine 456 with tyrosine.
Molecular consequence: missense variant.
Genome position (GRCh38, 1-based): chr3:129,479,801, G>A. VCF-style: chr3-129479801-G-A. GRCh37 (hg19) VCF-style: chr3-129198644-G-A.
Other names: c.740G>A, p.Cys247Tyr (NM_001280546.2); c.1190G>A, p.Cys397Tyr (NM_018262.4); c.1520G>A, p.Cys507Tyr (NM_052985.4); c.1034G>A, p.Cys345Tyr (NM_052990.3); c.1520G>A (NM_052985.3); c.1343G>A, p.Cys448Tyr (NM_001280541.2); c.917G>A, p.Cys306Tyr (NM_001280545.2); short protein forms C247Y, C507Y, C306Y, C448Y, C345Y, C397Y, C456Y.
Identifiers: ClinVar variation 1369697 (VCV001369697.8), dbSNP rs1335391766, ClinGen allele CA354475181.
Genomic context (GRCh38, chr3:129,479,801, plus strand): 5'-CTTATTCTGTTGAATTTCCATGCAGAGCTGGGTTTGCTTCCTAGGAGAAACGGCTGCAGT[G>A]CCTGTCCTTCAGCGGAGTGAAGGAGCGGGAGTGGCAGATGGAGTCTCTCATTCGTTACAT-3'
Protein context (NP_443715.1, residues 446-466): IILCQEKRLQ[Cys456Tyr]LSFSGVKERE

ClinVar aggregate classification (germline): Conflicting classifications of pathogenicity. Review status: criteria provided, conflicting classifications (1 of 4 stars). 3 submissions from 3 submitters: Likely pathogenic (2); Uncertain significance (1). Last evaluated 2024-03-28.

Conditions:
Cranioectodermal dysplasia 1 (CED1). Also called: LEVIN SYNDROME I. Identifiers: Orphanet 1515, MedGen C0432235, MONDO:0021093, OMIM 218330.

Allele frequency attached by ClinVar (database versions not stated): gnomAD exomes below 0.00001; gnomAD 0.00001; TOPMed 0.00001.
gnomAD v4.1: 2 of 1,613,922 alleles (0.00012%); highest among the groups gnomAD compares: Admixed American, 0.0017%; no homozygotes.

Submissions (3):

GeneDx
Classification: Likely pathogenic. Last evaluated: 2024-03-28. Review status: criteria provided, single submitter. Criteria: GeneDx Variant Classification Process June 2021. Collection method: clinical testing. Allele origin: germline. Affected: yes.
Comment: Not observed at significant frequency in large population cohorts (gnomAD); In silico analysis supports that this missense variant has a deleterious effect on protein structure/function; Has not been previously published as pathogenic or benign to our knowledge

Labcorp Genetics (formerly Invitae), Labcorp
Classification: Uncertain significance for Cranioectodermal dysplasia 1. Last evaluated: 2023-12-29. Review status: criteria provided, single submitter. Criteria: Invitae Variant Classification Sherloc (09022015). Collection method: clinical testing. Allele origin: germline.
Comment: This sequence change replaces cysteine, which is neutral and slightly polar, with tyrosine, which is neutral and polar, at codon 507 of the IFT122 protein (p.Cys507Tyr). This variant is present in population databases (no rsID available, gnomAD no frequency). This variant has not been reported in the literature in individuals affected with IFT122-related conditions. ClinVar contains an entry for this variant (Variation ID: 1369697). Advanced modeling of protein sequence and biophysical properties (such as structural, functional, and spatial information, amino acid conservation, physicochemical variation, residue mobility, and thermodynamic stability) performed at Invitae indicates that this missense variant is expected to disrupt IFT122 protein function with a positive predictive value of 80%. In summary, the available evidence is currently insufficient to determine the role of this variant in disease. Therefore, it has been classified as a Variant of Uncertain Significance.

Mendelics
Classification: Likely pathogenic for Cranioectodermal dysplasia 1. Last evaluated: 2022-05-04. Review status: criteria provided, single submitter. Criteria: Mendelics Assertion Criteria 2019. Collection method: clinical testing. Allele origin: germline.